The following is an entry in ClinVar:

ClinVar aggregate classification (germline): Uncertain significance (1 of 4 stars; one submission).

Allele frequency attached by ClinVar (database versions not stated): gnomAD exomes below 0.00001; ExAC 0.00001; gnomAD 0.00001; TOPMed 0.00001.
gnomAD v4.1: 5 of 1,614,062 alleles (0.00031%); highest among the groups gnomAD compares: Admixed American, 0.0017%; no homozygotes.

Submission:

Labcorp Genetics (formerly Invitae), Labcorp
Classification: Uncertain significance. Last evaluated: 2025-10-01. Review status: criteria provided, single submitter. Criteria: Invitae Variant Classification Sherloc (09022015). Collection method: clinical testing. Allele origin: germline.
Comment: This sequence change replaces serine, which is neutral and polar, with cysteine, which is neutral and slightly polar, at codon 364 of the IFNAR2 protein (p.Ser364Cys). This variant is not present in population databases (gnomAD no frequency). This variant has not been reported in the literature in individuals affected with IFNAR2-related conditions. ClinVar contains an entry for this variant (Variation ID: 2961449). An algorithm developed to predict the effect of missense changes on protein structure and function (PolyPhen-2) suggests that this variant is likely to be disruptive. In summary, the available evidence is currently insufficient to determine the role of this variant in disease. Therefore, it has been classified as a Variant of Uncertain Significance.

NM_001289125.3(IFNAR2):c.1091C>G (p.Ser364Cys)

Genes: IFNAR2 (interferon alpha and beta receptor subunit 2; plus strand), IFNAR2-IL10RB (IFNAR2-IL10RB readthrough; plus strand). Cytogenetic location: 21q22.11.
Variant type: single nucleotide variant.
Coding change: c.1091C>G on transcript NM_001289125.3 (MANE Select); coding-DNA position 1091, C replaced by G.
Protein change: p.Ser364Cys; replaces serine 364 with cysteine.
Molecular consequence: missense variant. On other transcripts: 3 prime UTR variant (5), intron variant (1).
Genome position (GRCh38, 1-based): chr21:33,263,043, C>G. VCF-style: chr21-33263043-C-G. GRCh37 (hg19) VCF-style: chr21-34635348-C-G.
Other names: c.*327C>G (NM_000874.5, NM_207584.3); c.*240C>G (NM_001289126.2, NM_001289128.2); c.*466C>G (NM_001385054.1); c.1091C>G, p.Ser364Cys (NM_001385055.1, NM_207585.3); c.710-5351C>G (NM_001414505.1); short protein forms S364C.
Identifiers: ClinVar variation 2961449 (VCV002961449.3), dbSNP rs764904699, ClinGen allele CA10005911.